The following is an entry in ClinVar:

ClinVar aggregate classification (germline): Uncertain significance (1 of 4 stars; one submission).

Allele frequency attached by ClinVar (database versions not stated): TOPMed 0.00001.
gnomAD v4.1: 9 of 1,614,004 alleles (0.00056%); highest among the groups gnomAD compares: South Asian, 0.0033%; no homozygotes.

Submission:

Labcorp Genetics (formerly Invitae), Labcorp
Classification: Uncertain significance. Last evaluated: 2022-08-12. Review status: criteria provided, single submitter. Criteria: Invitae Variant Classification Sherloc (09022015). Collection method: clinical testing. Allele origin: germline.
Comment: This sequence change replaces tyrosine, which is neutral and polar, with cysteine, which is neutral and slightly polar, at codon 344 of the EIF2B2 protein (p.Tyr344Cys). This variant is not present in population databases (gnomAD no frequency). This variant has not been reported in the literature in individuals affected with EIF2B2-related conditions. Algorithms developed to predict the effect of missense changes on protein structure and function (SIFT, PolyPhen-2, Align-GVGD) all suggest that this variant is likely to be disruptive. In summary, the available evidence is currently insufficient to determine the role of this variant in disease. Therefore, it has been classified as a Variant of Uncertain Significance.

NM_014239.4(EIF2B2):c.1031A>G (p.Tyr344Cys)

Gene: EIF2B2 (eukaryotic translation initiation factor 2B subunit beta; plus strand). Cytogenetic location: 14q24.3.
Variant type: single nucleotide variant.
Coding change: c.1031A>G on transcript NM_014239.4 (MANE Select); coding-DNA position 1031, A replaced by G.
Protein change: p.Tyr344Cys; replaces tyrosine 344 with cysteine.
Molecular consequence: missense variant.
Genome position (GRCh38, 1-based): chr14:75,009,163, A>G. VCF-style: chr14-75009163-A-G. GRCh37 (hg19) VCF-style: chr14-75475866-A-G.
Other names: short protein forms Y344C.
Identifiers: ClinVar variation 2417893 (VCV002417893.3), dbSNP rs1889669129, ClinGen allele CA390431153.